The following is an entry in ClinVar:

ClinVar aggregate classification (germline): Uncertain significance (1 of 4 stars; one submission).

Allele frequency attached by ClinVar (database versions not stated): TOPMed 0.00002.
gnomAD v4.1: 15 of 1,613,916 alleles (0.00093%); highest among the groups gnomAD compares: Admixed American, 0.0033%; no homozygotes.

Submission:

Labcorp Genetics (formerly Invitae), Labcorp
Classification: Uncertain significance. Last evaluated: 2023-12-21. Review status: criteria provided, single submitter. Criteria: Invitae Variant Classification Sherloc (09022015). Collection method: clinical testing. Allele origin: germline.
Comment: This sequence change replaces methionine, which is neutral and non-polar, with valine, which is neutral and non-polar, at codon 207 of the POC1A protein (p.Met207Val). This variant is not present in population databases (gnomAD no frequency). This variant has not been reported in the literature in individuals affected with POC1A-related conditions. ClinVar contains an entry for this variant (Variation ID: 1923115). Advanced modeling of protein sequence and biophysical properties (such as structural, functional, and spatial information, amino acid conservation, physicochemical variation, residue mobility, and thermodynamic stability) performed at Invitae indicates that this missense variant is not expected to disrupt POC1A protein function with a negative predictive value of 80%. In summary, the available evidence is currently insufficient to determine the role of this variant in disease. Therefore, it has been classified as a Variant of Uncertain Significance.

NM_015426.5(POC1A):c.619A>G (p.Met207Val)

Gene: POC1A (POC1 centriolar protein A; minus strand). Cytogenetic location: 3p21.2.
Variant type: single nucleotide variant.
Coding change: c.619A>G on transcript NM_015426.5 (MANE Select); coding-DNA position 619, A replaced by G.
Protein change: p.Met207Val; replaces methionine 207 with valine.
Molecular consequence: missense variant.
Genome position (GRCh38, 1-based): chr3:52,145,906, T>C on the plus strand (A>G on the coding strand, the complement: POC1A is on the minus strand). VCF-style: chr3-52145906-T-C. GRCh37 (hg19) VCF-style: chr3-52179922-T-C.
Other names: c.619A>G, p.Met207Val (NM_001161580.2); c.505A>G, p.Met169Val (NM_001161581.2); short protein forms M169V, M207V.
Identifiers: ClinVar variation 1923115 (VCV001923115.5), dbSNP rs749016718, ClinGen allele CA353044876.